The following is an entry in ClinVar:

ClinVar aggregate classification (germline): Uncertain significance (1 of 4 stars; one submission).

Conditions:
Kabuki syndrome. Also called: Kabuki make-up syndrome; NIIKAWA-KUROKI SYNDROME. Identifiers: Orphanet 2322, MedGen C0796004, MONDO:0016512.

Allele frequency attached by ClinVar (database versions not stated): gnomAD exomes below 0.00001; gnomAD 0.00001; TOPMed 0.00001.

Submission:

Labcorp Genetics (formerly Invitae), Labcorp
Classification: Uncertain significance for Kabuki syndrome. Last evaluated: 2025-11-03. Review status: criteria provided, single submitter. Criteria: Invitae Variant Classification Sherloc (09022015). Collection method: clinical testing. Allele origin: germline.
Comment: This sequence change replaces aspartic acid, which is acidic and polar, with asparagine, which is neutral and polar, at codon 2448 of the KMT2D protein (p.Asp2448Asn). This variant is not present in population databases (gnomAD no frequency). This variant has not been reported in the literature in individuals affected with KMT2D-related conditions. ClinVar contains an entry for this variant (Variation ID: 1515358). Invitae Evidence Modeling of protein sequence and biophysical properties (such as structural, functional, and spatial information, amino acid conservation, physicochemical variation, residue mobility, and thermodynamic stability) indicates that this missense variant is not expected to disrupt KMT2D protein function with a negative predictive value of 95%. In summary, the available evidence is currently insufficient to determine the role of this variant in disease. Therefore, it has been classified as a Variant of Uncertain Significance.

NM_003482.4(KMT2D):c.7342G>A (p.Asp2448Asn)

Gene: KMT2D (lysine methyltransferase 2D; minus strand). Cytogenetic location: 12q13.12.
Variant type: single nucleotide variant.
Coding change: c.7342G>A on transcript NM_003482.4 (MANE Select); coding-DNA position 7342, G replaced by A.
Protein change: p.Asp2448Asn; replaces aspartic acid 2448 with asparagine.
Molecular consequence: missense variant.
Genome position (GRCh38, 1-based): chr12:49,040,428, C>T on the plus strand (G>A on the coding strand, the complement: KMT2D is on the minus strand). VCF-style: chr12-49040428-C-T. GRCh37 (hg19) VCF-style: chr12-49434211-C-T.
Other names: short protein forms D2448N.
Identifiers: ClinVar variation 1515358 (VCV001515358.8), dbSNP rs1416297208, ClinGen allele CA384747899.